The following is an entry in ClinVar:

ClinVar aggregate classification (germline): Uncertain significance (1 of 4 stars; one submission).

Conditions:
Gorlin syndrome. Also called: Nevoid Basal Cell Carcinoma Syndrome; Basal cell nevus syndrome. Identifiers: Orphanet 377, MedGen C0004779, MONDO:0007187.

Submission:

Labcorp Genetics (formerly Invitae), Labcorp
Classification: Uncertain significance for Gorlin syndrome. Last evaluated: 2020-07-15. Review status: criteria provided, single submitter. Criteria: Invitae Variant Classification Sherloc (09022015). Collection method: clinical testing. Allele origin: germline.
Comment: This variant, c.773_775del, results in the deletion of 1 amino acid(s) of the PTCH2 protein (p.Leu258del), but otherwise preserves the integrity of the reading frame. This variant is not present in population databases (ExAC no frequency). This variant has not been reported in the literature in individuals with PTCH2-related conditions. Experimental studies and prediction algorithms are not available or were not evaluated, and the functional significance of this variant is currently unknown. In summary, the available evidence is currently insufficient to determine the role of this variant in disease. Therefore, it has been classified as a Variant of Uncertain Significance.

NM_003738.5(PTCH2):c.773_775del (p.Leu258del)

Gene: PTCH2 (patched 2; minus strand). Cytogenetic location: 1p34.1.
Variant type: Deletion.
Coding change: c.773_775del on transcript NM_003738.5 (MANE Select); coding-DNA positions 773 to 775, 3 bases deleted (TCC; older notation c.773_775delTCC).
Protein change: p.Leu258del; deletes leucine 258.
Molecular consequence: inframe deletion.
Genome position (GRCh38, 1-based): chr1:44,830,886-44,830,888, GGA deleted on the plus strand (TCC on the coding strand, the reverse complement: PTCH2 is on the minus strand); deleting any 3 consecutive bases within chr1:44,830,886-44,830,890 gives the same sequence; the c. name uses the placement nearest the transcript's 3' end. VCF-style (leftmost placement, unchanged base first): chr1-44830885-TGGA-T. GRCh37 (hg19) VCF-style: chr1-45296557-TGGA-T.
Other names: c.773_775del, p.Leu258del (NM_001166292.2); short protein forms L258del.
Identifiers: ClinVar variation 1014140 (VCV001014140.12), dbSNP rs1173101594, ClinGen allele CA736128604.
Genomic context (GRCh38, chr1:44,830,885, plus strand): 5'-TGGCAGACCTGGTTGGAACCCACCTGCCTGCTGTGATGGTTGGGGGCACTAGGTGGGCAG[TGGA>T]GGTCATCAGGGTGCAGACAGGGCCGCCCCACGTAGGCCTGGCCCACCTGTGCCTTGTCTA-3'